The following is an entry in ClinVar:

NM_005085.4(NUP214):c.3677G>A (p.Gly1226Glu)

Gene: NUP214 (nucleoporin 214; plus strand). Cytogenetic location: 9q34.13.
Variant type: single nucleotide variant.
Coding change: c.3677G>A on transcript NM_005085.4 (MANE Select); coding-DNA position 3677, G replaced by A.
Protein change: p.Gly1226Glu; replaces glycine 1226 with glutamic acid.
Molecular consequence: missense variant.
Genome position (GRCh38, 1-based): chr9:131,195,250, G>A. VCF-style: chr9-131195250-G-A. GRCh37 (hg19) VCF-style: chr9-134070637-G-A.
Other names: c.3647G>A, p.Gly1216Glu (NM_001318324.2); c.155G>A, p.Gly52Glu (NM_001318325.2); short protein forms G1216E, G1226E, G52E.
Identifiers: ClinVar variation 5018278 (VCV005018278.1).

ClinVar aggregate classification (germline): Uncertain significance (1 of 4 stars; one submission).

gnomAD v4.1: 19 of 1,612,114 alleles (0.0012%); highest among the groups gnomAD compares: Admixed American, 0.0033%; no homozygotes.

Submission:

GeneDx
Classification: Uncertain significance. Last evaluated: 2026-04-12. Review status: criteria provided, single submitter. Criteria: GeneDx Variant Classification Process June 2021. Collection method: clinical testing. Allele origin: germline.
Comment: In silico analysis supports that this missense variant has a deleterious effect on protein structure/function; Has not been previously published as pathogenic or benign to our knowledge